The following is an entry in ClinVar:

ClinVar aggregate classification (germline): Conflicting classifications of pathogenicity. Review status: criteria provided, conflicting classifications (1 of 4 stars). 2 submissions from 2 submitters: Likely pathogenic (1); Uncertain significance (1). Last evaluated 2022-08-15.

Allele frequency attached by ClinVar (database versions not stated): gnomAD 0.00001; TOPMed 0.00001 and below 0.00001; ESP Exome Variant Server 0.00008; gnomAD exomes below 0.00001; ExAC 0.00001.

Submissions (2):

Women's Health and Genetics/Laboratory Corporation of America, LabCorp
Classification: Uncertain significance. Last evaluated: 2022-08-15. Review status: criteria provided, single submitter. Criteria: LabCorp Variant Classification Summary - May 2015. Collection method: clinical testing. Allele origin: germline.
Comment: Variant summary: BCKDHA c.836A>G (p.Tyr279Cys) results in a non-conservative amino acid change located in the Dehydrogenase, E1 component domain (IPR001017) of the encoded protein sequence. Five of five in-silico tools predict a damaging effect of the variant on protein function. The variant allele was found at a frequency of 4e-06 in 251436 control chromosomes (gnomAD). The available data on variant occurrences in the general population are insufficient to allow any conclusion about variant significance. To our knowledge, no occurrence of c.836A>G in individuals affected with Maple Syrup Urine Disease and no experimental evidence demonstrating its impact on protein function have been reported. One clinical diagnostic laboratory has submitted clinical-significance assessments for this variant to ClinVar after 2014 without evidence for independent evaluation, and classified the variant as likely pathogenic. Based on the evidence outlined above, the variant was classified as uncertain significance.

Center for Pediatric Genomic Medicine, Children's Mercy Hospital and Clinics
Classification: Likely pathogenic. Last evaluated: 2015-07-01. Review status: criteria provided, single submitter. Criteria: ACMG Guidelines, 2015. Collection method: clinical testing. Allele origin: germline.

NM_000709.4(BCKDHA):c.836A>G (p.Tyr279Cys)

Gene: BCKDHA (branched chain keto acid dehydrogenase E1 subunit alpha; plus strand). Cytogenetic location: 19q13.2.
Variant type: single nucleotide variant.
Coding change: c.836A>G on transcript NM_000709.4 (MANE Select); coding-DNA position 836, A replaced by G.
Protein change: p.Tyr279Cys; replaces tyrosine 279 with cysteine.
Molecular consequence: missense variant.
Genome position (GRCh38, 1-based): chr19:41,422,353, A>G. VCF-style: chr19-41422353-A-G. GRCh37 (hg19) VCF-style: chr19-41928258-A-G.
Other names: c.836A>G, p.Tyr279Cys (NM_001164783.2); short protein forms Y279C.
Identifiers: ClinVar variation 235750 (VCV000235750.4), dbSNP rs367823977, ClinGen allele CA9461267.